The following is an entry in ClinVar:

NM_145290.4(ADGRA3):c.2550C>G (p.Ile850Met)

Gene: ADGRA3 (adhesion G protein-coupled receptor A3; minus strand). Cytogenetic location: 4p15.2.
Variant type: single nucleotide variant.
Coding change: c.2550C>G on transcript NM_145290.4 (MANE Select); coding-DNA position 2550, C replaced by G.
Protein change: p.Ile850Met; replaces isoleucine 850 with methionine.
Molecular consequence: missense variant.
Genome position (GRCh38, 1-based): chr4:22,392,622, G>C on the plus strand (C>G on the coding strand, the complement: ADGRA3 is on the minus strand). VCF-style: chr4-22392622-G-C. GRCh37 (hg19) VCF-style: chr4-22394245-G-C.
Other names: short protein forms I850M.
Identifiers: ClinVar variation 3722395 (VCV003722395.2).

ClinVar aggregate classification (germline): Uncertain significance (1 of 4 stars; one submission).

gnomAD v4.1: 2 of 1,613,874 alleles (0.00012%); highest among the groups gnomAD compares: Non-Finnish European, 0.00017%; no homozygotes.

Submission:

Labcorp Genetics (formerly Invitae), Labcorp
Classification: Uncertain significance. Last evaluated: 2024-10-07. Review status: criteria provided, single submitter. Criteria: Invitae Variant Classification Sherloc (09022015). Collection method: clinical testing. Allele origin: germline.
Comment: This sequence change replaces isoleucine, which is neutral and non-polar, with methionine, which is neutral and non-polar, at codon 850 of the ADGRA3 protein (p.Ile850Met). This variant is not present in population databases (gnomAD no frequency). This variant has not been reported in the literature in individuals affected with ADGRA3-related conditions. An algorithm developed to predict the effect of missense changes on protein structure and function (PolyPhen-2) suggests that this variant is likely to be disruptive. In summary, the available evidence is currently insufficient to determine the role of this variant in disease. Therefore, it has been classified as a Variant of Uncertain Significance.